The following is an entry in ClinVar:

NM_130839.5(UBE3A):c.1065T>C (p.Ser355=)

Genes: SNHG14 (small nucleolar RNA host gene 14; plus strand), UBE3A (ubiquitin protein ligase E3A; minus strand). Cytogenetic location: 15q11.2.
Variant type: single nucleotide variant.
Coding change: c.1065T>C on transcript NM_130839.5 (MANE Select); coding-DNA position 1065, T replaced by C.
Protein change: p.Ser355=; no amino-acid change (serine 355 retained).
Molecular consequence: synonymous variant. On other transcripts: non-coding transcript variant (1), intron variant (2).
Genome position (GRCh38, 1-based): chr15:25,371,109, A>G on the plus strand (T>C on the coding strand, the complement: UBE3A is on the minus strand). VCF-style: chr15-25371109-A-G. GRCh37 (hg19) VCF-style: chr15-25616256-A-G.
Other names: c.1074T>C, p.Ser358= (NM_000462.5); c.1065T>C, p.Ser355= (NM_001354505.1, NM_001354538.2, NM_001354545.2); c.1005T>C, p.Ser335= (NM_001354506.2, NM_001354507.2, NM_001354508.2 and 17 more transcripts); c.888T>C, p.Ser296= (NM_001354546.2); c.301+4356T>C (NM_001354551.2); c.361+4356T>C (NM_001354550.2).
Identifiers: ClinVar variation 2645013 (VCV002645013.24), dbSNP rs2552191640, ClinGen allele CA489232564.

ClinVar aggregate classification (germline): Likely benign (1 of 4 stars; one submission).

Allele frequency attached by ClinVar (database versions not stated): gnomAD exomes below 0.00001.
gnomAD v4.1: 3 of 1,614,072 alleles (0.00019%); highest among the groups gnomAD compares: African/African-American, 0.0027%; no homozygotes.

Submission:

CeGaT Center for Human Genetics Tuebingen
Classification: Likely benign. Last evaluated: 2022-05-01. Review status: criteria provided, single submitter. Criteria: CeGaT Center For Human Genetics Tuebingen Variant Classification Criteria Version 2. Collection method: clinical testing. Allele origin: germline. Affected: yes. Observed: 1 variant allele.
Comment: UBE3A: PM2:Supporting, BP4, BP7